The following is an entry in ClinVar:

ClinVar aggregate classification (germline): Uncertain significance (1 of 4 stars; one submission).

Submission:

GeneDx
Classification: Uncertain significance. Last evaluated: 2019-11-15. Review status: criteria provided, single submitter. Criteria: GeneDx Variant Classification Process June 2021. Collection method: clinical testing. Allele origin: germline. Affected: yes.
Comment: Not observed in large population cohorts (Lek et al., 2016); In silico analysis, which includes protein predictors and evolutionary conservation, supports a deleterious effect; Has not been previously published as pathogenic or benign to our knowledge

NM_031475.3(ESPN):c.2275G>C (p.Val759Leu)

Gene: ESPN (espin; plus strand). Cytogenetic location: 1p36.31.
Variant type: single nucleotide variant.
Coding change: c.2275G>C on transcript NM_031475.3 (MANE Select); coding-DNA position 2275, G replaced by C.
Protein change: p.Val759Leu; replaces valine 759 with leucine.
Molecular consequence: missense variant.
Genome position (GRCh38, 1-based): chr1:6,452,046, G>C. VCF-style: chr1-6452046-G-C. GRCh37 (hg19) VCF-style: chr1-6512106-G-C.
Other names: c.2185G>C, p.Val729Leu (NM_001367473.1); c.2212G>C, p.Val738Leu (NM_001367474.1); short protein forms V729L, V738L, V759L.
Identifiers: ClinVar variation 1302966 (VCV001302966.2), dbSNP rs758958049, ClinGen allele CA338100027.
Genomic context (GRCh38, chr1:6,452,046, plus strand): 5'-CTCATCCCCACGCACGATGAGCAGGGCCGGCCCATCCCCGAGTGGAAGCGCCAGGTGATG[G>C]TGCGCAAGATGCAGCTGAAGATGCAGGAGGAGGAGGAGCAGAGGCGGAAGGTGGGTGGGG-3'
Protein context (NP_113663.2, residues 749-769): PIPEWKRQVM[Val759Leu]RKMQLKMQEE